The following is an entry in ClinVar:

ClinVar aggregate classification (germline): Uncertain significance (1 of 4 stars; one submission).

Conditions:
Cornelia de Lange syndrome 4 (CDLS4). Also called: RAD21-Related Cornelia de Lange Syndrome; CORNELIA DE LANGE SYNDROME 4 WITH OR WITHOUT MIDLINE BRAIN DEFECTS. Identifiers: Orphanet 199, MedGen C3553517, MONDO:0013864, OMIM 614701.

gnomAD v4.1: 8 of 1,611,250 alleles (0.0005%); highest among the groups gnomAD compares: Non-Finnish European, 0.00068%; no homozygotes.

Submission:

Labcorp Genetics (formerly Invitae), Labcorp
Classification: Uncertain significance for Cornelia de Lange syndrome 4. Last evaluated: 2024-04-17. Review status: criteria provided, single submitter. Criteria: Invitae Variant Classification Sherloc (09022015). Collection method: clinical testing. Allele origin: germline.
Comment: This sequence change replaces arginine, which is basic and polar, with cysteine, which is neutral and slightly polar, at codon 437 of the RAD21 protein (p.Arg437Cys). This variant is present in population databases (no rsID available, gnomAD 0.0009%). This variant has not been reported in the literature in individuals affected with RAD21-related conditions. Advanced modeling of protein sequence and biophysical properties (such as structural, functional, and spatial information, amino acid conservation, physicochemical variation, residue mobility, and thermodynamic stability) performed at Invitae indicates that this missense variant is not expected to disrupt RAD21 protein function with a negative predictive value of 80%. In summary, the available evidence is currently insufficient to determine the role of this variant in disease. Therefore, it has been classified as a Variant of Uncertain Significance.

NM_006265.3(RAD21):c.1309C>T (p.Arg437Cys)

Gene: RAD21 (RAD21 cohesin complex component; minus strand). Cytogenetic location: 8q24.11.
Variant type: single nucleotide variant.
Coding change: c.1309C>T on transcript NM_006265.3 (MANE Select); coding-DNA position 1309, C replaced by T.
Protein change: p.Arg437Cys; replaces arginine 437 with cysteine.
Molecular consequence: missense variant.
Genome position (GRCh38, 1-based): chr8:116,852,561, G>A on the plus strand (C>T on the coding strand, the complement: RAD21 is on the minus strand). VCF-style: chr8-116852561-G-A. GRCh37 (hg19) VCF-style: chr8-117864800-G-A.
Other names: short protein forms R437C.
Identifiers: ClinVar variation 3636765 (VCV003636765.2).